The following is an entry in ClinVar:

ClinVar aggregate classification (germline): other (0 of 4 stars; one submission).

Conditions:
Familial colorectal cancer. Identifiers: MedGen CN280943, MONDO:0023113. Disease mechanism: loss of function.

Submission:

Systems Biology Platform Zhejiang California International NanoSystems Institute
Classification: other for Familial colorectal cancer. Review status: no assertion criteria provided. Collection method: not provided. Allele origin: unknown.
ClinVar note: Converted during submission from cancer to other.

NM_000038.6(APC):c.1744-213T>A

Gene: APC (APC regulator of WNT signaling pathway; plus strand). Cytogenetic location: 5q22.2.
Variant type: single nucleotide variant.
Coding change: c.1744-213T>A on transcript NM_000038.6 (MANE Select); 213 bases into the intron before coding-DNA position 1744, T replaced by A.
Molecular consequence: intron variant.
Genome position (GRCh38, 1-based): chr5:112,834,738, T>A. VCF-style: chr5-112834738-T-A. GRCh37 (hg19) VCF-style: chr5-112170435-T-A.
Other names: c.1744-213T>A (NM_001354895.2, NM_001127510.3); c.1774-213T>A (NM_001354897.2); c.1471-213T>A (NM_001354902.2); c.1690-213T>A (NM_001127511.3); c.1669-213T>A (NM_001354898.2); c.1366-213T>A (NM_001354904.2); c.895-213T>A (NM_001354906.2); c.1798-213T>A (NM_001354896.2); and 5 more.
Identifiers: ClinVar variation 83210 (VCV000083210.2), dbSNP rs75768637, ClinGen allele CA005803.
Genomic context (GRCh38, chr5:112,834,738, plus strand): 5'-AAGATGTGTGTACTATCTAAACACTTAGAATAAAGTTTATAAAAGTCATTAGTTAAATAT[T>A]GTGTTCTGCTTGTTTTATAGAGATATCACTGATATAAATACTATTTGGTATTTTATGAAC-3'